The following is an entry in ClinVar:

ClinVar aggregate classification (germline): Uncertain significance (1 of 4 stars; one submission).

Submission:

GeneDx
Classification: Uncertain significance. Last evaluated: 2025-04-11. Review status: criteria provided, single submitter. Criteria: GeneDx Variant Classification Process June 2021. Collection method: clinical testing. Allele origin: germline. Affected: yes.
Comment: Not observed at significant frequency in large population cohorts (gnomAD); In silico analysis indicates that this missense variant does not alter protein structure/function; Has not been previously published as pathogenic or benign to our knowledge

NM_006922.4(SCN3A):c.349G>C (p.Val117Leu)

Gene: SCN3A (sodium voltage-gated channel alpha subunit 3; minus strand). Cytogenetic location: 2q24.3.
Variant type: single nucleotide variant.
Coding change: c.349G>C on transcript NM_006922.4 (MANE Select); coding-DNA position 349, G replaced by C.
Protein change: p.Val117Leu; replaces valine 117 with leucine.
Molecular consequence: missense variant.
Genome position (GRCh38, 1-based): chr2:165,170,464, C>G on the plus strand (G>C on the coding strand, the complement: SCN3A is on the minus strand). VCF-style: chr2-165170464-C-G. GRCh37 (hg19) VCF-style: chr2-166026974-C-G.
Other names: c.349G>C, p.Val117Leu (NM_001081676.2, NM_001081677.2); short protein forms V117L.
Identifiers: ClinVar variation 4281936 (VCV004281936.1).